The following is an entry in ClinVar:

NM_002485.5(NBN):c.1124+5A>T

Gene: NBN (nibrin; minus strand). Cytogenetic location: 8q21.3.
Variant type: single nucleotide variant.
Coding change: c.1124+5A>T on transcript NM_002485.5 (MANE Select); 5 bases into the intron after coding-DNA position 1124, A replaced by T.
Molecular consequence: intron variant.
Genome position (GRCh38, 1-based): chr8:89,958,720, T>A on the plus strand (A>T on the coding strand, the complement: NBN is on the minus strand). VCF-style: chr8-89958720-T-A. GRCh37 (hg19) VCF-style: chr8-90970948-T-A.
Other names: c.878+5A>T (NM_001024688.3).
Identifiers: ClinVar variation 141915 (VCV000141915.21), dbSNP rs587782108, ClinGen allele CA166777.
Genomic context (GRCh38, chr8:89,958,720, plus strand): 5'-TCCTGAATATACTATTAATTTATTGATAGAATAATAACAATAGTACGGTAATGAAGAAGC[T>A]TTACCATGTATCTGCTTGCTCTGATTCTGTGTCAGCTACGTATGTTGTAGTGTTCACTGG-3'

ClinVar aggregate classification (germline): Conflicting classifications of pathogenicity. Review status: criteria provided, conflicting classifications (1 of 4 stars). 5 submissions from 5 submitters: Uncertain significance (2); Likely benign (2). 1 of the submissions does not count toward it. Last evaluated 2026-02-04.

Conditions:
Hereditary cancer-predisposing syndrome. Also called: Neoplastic Syndromes, Hereditary; Hereditary Cancer Syndrome; Hereditary neoplastic syndrome; Tumor predisposition. Identifiers: Orphanet 140162, MedGen C0027672, MeSH D009386, MONDO:0015356.
Microcephaly, normal intelligence and immunodeficiency (NBS). Also called: Immunodeficiency, microcephaly with normal intelligence; SEEMANOVA SYNDROME II; Nijmegen breakage syndrome; Microcephaly with normal intelligence immunodeficiency and lymphoreticular malignancies; Nonsyndromal microcephaly autosomal recessive with normal intelligence; Seemanova syndrome 2. Identifiers: Orphanet 647, MedGen C0398791, MONDO:0009623, OMIM 251260.

Allele frequency attached by ClinVar (database versions not stated): TOPMed below 0.00001.

Submissions (5):

Labcorp Genetics (formerly Invitae), Labcorp
Classification: Likely benign for Microcephaly, normal intelligence and immunodeficiency. Last evaluated: 2026-02-04. Review status: criteria provided, single submitter. Criteria: Invitae Variant Classification Sherloc (09022015). Collection method: clinical testing. Allele origin: germline.

Ambry Genetics
Classification: Uncertain significance for Hereditary cancer-predisposing syndrome. Last evaluated: 2024-02-28. Review status: criteria provided, single submitter. Criteria: Ambry Variant Classification Scheme 2023. Collection method: clinical testing. Allele origin: germline.
Comment: The c.1124+5A>T intronic variant results from an A to T substitution 5 nucleotides after coding exon 9 in the NBN gene. This nucleotide position is well conserved in available vertebrate species. In silico splice site analysis predicts that this alteration will not have any significant effect on splicing. Based on the available evidence, the clinical significance of this alteration remains unclear.

Genome-Nilou Lab
Classification: Uncertain significance for Microcephaly, normal intelligence and immunodeficiency. Last evaluated: 2021-11-07. Review status: criteria provided, single submitter. Criteria: ACMG Guidelines, 2015. Collection method: clinical testing. Allele origin: germline. Affected: no.

GeneDx
Classification: Likely benign. Last evaluated: 2017-05-23. Review status: criteria provided, single submitter. Criteria: GeneDx Variant Classification (06012015). Collection method: clinical testing. Allele origin: germline. Affected: yes.
Comment: This variant is considered likely benign or benign based on one or more of the following criteria: it is a conservative change, it occurs at a poorly conserved position in the protein, it is predicted to be benign by multiple in silico algorithms, and/or has population frequency not consistent with disease.

Counsyl
Classification: Uncertain significance for Microcephaly, normal intelligence and immunodeficiency. Last evaluated: 2018-03-01. Review status: no assertion criteria provided. Collection method: clinical testing. Allele origin: unknown. Not counted in ClinVar's aggregate classification.